The following is an entry in ClinVar:

ClinVar aggregate classification (germline): Uncertain significance (1 of 4 stars; one submission).

Submission:

Labcorp Genetics (formerly Invitae), Labcorp
Classification: Uncertain significance. Last evaluated: 2022-10-21. Review status: criteria provided, single submitter. Criteria: Invitae Variant Classification Sherloc (09022015). Collection method: clinical testing. Allele origin: germline.
Comment: This sequence change replaces valine, which is neutral and non-polar, with leucine, which is neutral and non-polar, at codon 948 of the ERCC6L2 protein (p.Val948Leu). This variant is not present in population databases (gnomAD no frequency). This variant has not been reported in the literature in individuals affected with ERCC6L2-related conditions. Algorithms developed to predict the effect of missense changes on protein structure and function are either unavailable or do not agree on the potential impact of this missense change (SIFT: "Tolerated"; PolyPhen-2: "Not Available"; Align-GVGD: "Class C0"). In summary, the available evidence is currently insufficient to determine the role of this variant in disease. Therefore, it has been classified as a Variant of Uncertain Significance.

NM_020207.7(ERCC6L2):c.2809G>C (p.Val937Leu)

Gene: ERCC6L2 (ERCC excision repair 6 like 2; plus strand). Cytogenetic location: 9q22.32.
Variant type: single nucleotide variant.
Coding change: c.2809G>C on transcript NM_020207.7 (MANE Select); coding-DNA position 2809, G replaced by C.
Protein change: p.Val937Leu; replaces valine 937 with leucine.
Molecular consequence: missense variant. On other transcripts: non-coding transcript variant (1).
Genome position (GRCh38, 1-based): chr9:95,972,560, G>C. VCF-style: chr9-95972560-G-C. GRCh37 (hg19) VCF-style: chr9-98734842-G-C.
Other names: c.2809G>C, p.Val937Leu (NM_001375291.1, NM_001375292.1, NM_001375293.1 and 1 more transcripts); short protein forms V937L.
Identifiers: ClinVar variation 1722019 (VCV001722019.5), dbSNP rs1364849302, ClinGen allele CA2580080735.